The following is an entry in ClinVar:

ClinVar aggregate classification (germline): Uncertain significance. Review status: criteria provided, multiple submitters, no conflicts (2 of 4 stars). 2 submissions from 2 submitters: Uncertain significance (2). Last evaluated 2025-06-30.

Conditions:
Cardiovascular phenotype. Identifiers: MedGen CN230736.
RASopathy. Also called: Noonan spectrum disorder; rasopathies. Identifiers: Orphanet 536391, MedGen C5555857, MONDO:0021060.

Submissions (2):

Ambry Genetics
Classification: Uncertain significance for Cardiovascular phenotype. Last evaluated: 2025-06-30. Review status: criteria provided, single submitter. Criteria: Ambry Variant Classification Scheme 2023. Collection method: clinical testing. Allele origin: germline.

Labcorp Genetics (formerly Invitae), Labcorp
Classification: Uncertain significance for RASopathy. Last evaluated: 2021-02-22. Review status: criteria provided, single submitter. Criteria: Invitae Variant Classification Sherloc (09022015). Collection method: clinical testing. Allele origin: germline.
Comment: Advanced modeling of protein sequence and biophysical properties (such as structural, functional, and spatial information, amino acid conservation, physicochemical variation, residue mobility, and thermodynamic stability) performed at Invitae indicates that this missense variant is expected to disrupt SOS1 protein function. This sequence change replaces lysine with threonine at codon 504 of the SOS1 protein (p.Lys504Thr). The lysine residue is moderately conserved and there is a moderate physicochemical difference between lysine and threonine. This variant is not present in population databases (ExAC no frequency). This variant has not been reported in the literature in individuals with SOS1-related conditions. In summary, the available evidence is currently insufficient to determine the role of this variant in disease. Therefore, it has been classified as a Variant of Uncertain Significance.

NM_005633.4(SOS1):c.1511A>C (p.Lys504Thr)

Gene: SOS1 (SOS Ras/Rac guanine nucleotide exchange factor 1; minus strand). Cytogenetic location: 2p22.1.
Variant type: single nucleotide variant.
Coding change: c.1511A>C on transcript NM_005633.4 (MANE Select); coding-DNA position 1511, A replaced by C.
Protein change: p.Lys504Thr; replaces lysine 504 with threonine.
Molecular consequence: missense variant.
Genome position (GRCh38, 1-based): chr2:39,022,917, T>G on the plus strand (A>C on the coding strand, the complement: SOS1 is on the minus strand). VCF-style: chr2-39022917-T-G. GRCh37 (hg19) VCF-style: chr2-39250058-T-G.
Other names: c.1490A>C, p.Lys497Thr (NM_001382394.1); c.1511A>C, p.Lys504Thr (NM_001382395.1); c.1511A>C (NM_005633.3); short protein forms K504T, K497T.
Identifiers: ClinVar variation 1360145 (VCV001360145.9), dbSNP rs2124537140, ClinGen allele CA346366005.